The following is an entry in ClinVar:

NM_006231.4(POLE):c.1686+37C>T

Gene: POLE (DNA polymerase epsilon, catalytic subunit; minus strand). Cytogenetic location: 12q24.33.
Variant type: single nucleotide variant.
Coding change: c.1686+37C>T on transcript NM_006231.4 (MANE Select); 37 bases into the intron after coding-DNA position 1686, C replaced by T.
Molecular consequence: intron variant.
Genome position (GRCh38, 1-based): chr12:132,672,590, G>A on the plus strand (C>T on the coding strand, the complement: POLE is on the minus strand). VCF-style: chr12-132672590-G-A. GRCh37 (hg19) VCF-style: chr12-133249176-G-A.
Identifiers: ClinVar variation 3032911 (VCV003032911.2), dbSNP rs760067221, ClinGen allele CA6893879.
Genomic context (GRCh38, chr12:132,672,590, plus strand): 5'-GGATGGGGAGAAGGGGCTTTATTTCAGCCCCTGCAGCTTCTGGGTCCTACCACAGCACAA[G>A]AGTGGGAAGAATCTGAATCCCAGGGAAGAAGCACACCATCCTAAACCGGCAAGGGATATC-3'

ClinVar aggregate classification (germline): Likely benign (0 of 4 stars; one submission).

Conditions:
POLE-related disorder. Also called: POLE-related condition; POLE-related disorders.

Allele frequency attached by ClinVar (database versions not stated): ExAC 0.00002.
gnomAD v4.1: 2 of 1,593,126 alleles (0.00013%); highest among the groups gnomAD compares: Admixed American, 0.0033%; no homozygotes.

Submission:

PreventionGenetics, part of Exact Sciences
Classification: Likely benign for POLE-related condition. Last evaluated: 2022-08-29. Review status: no assertion criteria provided. Collection method: clinical testing. Allele origin: germline.
Comment: This variant is classified as likely benign based on ACMG/AMP sequence variant interpretation guidelines (Richards et al. 2015 PMID: 25741868, with internal and published modifications).